The following is an entry in ClinVar:

NM_000277.3(PAH):c.916del (p.Ile306fs)

Gene: PAH (phenylalanine hydroxylase; minus strand). Cytogenetic location: 12q23.2.
Variant type: Deletion.
Coding change: c.916del on transcript NM_000277.3 (MANE Select); coding-DNA position 916, one base deleted (A; older notation c.916delA).
Protein change: p.Ile306fs; shifts the reading frame from isoleucine 306.
Molecular consequence: frameshift variant.
Genome position (GRCh38, 1-based): chr12:102,846,948, T deleted on the plus strand (A on the coding strand, the reverse complement: PAH is on the minus strand); the first of 3 consecutive T bases (chr12:102,846,948-102,846,950); deleting any one gives the same sequence. VCF-style (leftmost placement, unchanged base first): chr12-102846947-AT-A. GRCh37 (hg19) VCF-style: chr12-103240725-AT-A.
Other names: c.916del, p.Ile306fs (NM_001354304.2); short protein forms I306fs.
Identifiers: ClinVar variation 120296 (VCV000120296.3), dbSNP rs281865456, ClinGen allele CA267688.

ClinVar aggregate classification (germline): Pathogenic. Review status: reviewed by expert panel (3 of 4 stars). 2 submissions from 2 submitters: Pathogenic (1). 1 of the submissions does not count toward it. Last evaluated 2019-09-29.

Conditions:
Phenylketonuria (PKU). Also called: Phenylketonuria (PKU); FOLLING DISEASE; OLIGOPHRENIA PHENYLPYRUVICA; Phenylketonurias. Identifiers: Orphanet 716, MedGen C0031485, MONDO:0009861, OMIM 261600. Disease mechanism: loss of function.

Submissions (2):

ClinGen PAH Variant Curation Expert Panel
Classification: Pathogenic for Phenylketonuria. Last evaluated: 2019-09-29. Review status: reviewed by expert panel. Criteria: ClinGen PAH ACMG Specifications v1. Collection method: curation. Allele origin: germline. Inheritance: Autosomal recessive inheritance.
Comment: The c.916delA (p.Ile306Leufs) in PAH has been previously reported Likely Pathogenic by one clinical laboratory in ClinVar (see variant ID 120296); the collection method is stated as 'literature only' and no further information is provided. BH4 deficiency was formally excluded via urinary pterin analysis and DHPR assays (PMID: 18985011) (PP4_Moderate). The proband was said to be heterozygous for the variant and also harbor the known pathogenic allele (see ClinVar ID 608) c.143T>C (p.Leu48Ser) variant; while the manuscript stated that samples from proband's family members were collected, it does not appear to specify whether the phase of the variants was confirmed via parental testing. Thus, at this point, PM3 cannot be applied with full confidence. The sequence change results in a frameshift variant which occurs in exon 9 of 13 in the in the canonical transcript of PAH, a gene fulfilling the most recent criteria for LOF being a known disease mechanism (see PMID: 30192042) (PVS1). It is absent from control databases including ethnically matched individuals, including gnomAD/ExAC, 1000 Genomes, and ESP (PM2).

Inserm U 954, Faculté de Médecine de Nancy
Classification: Likely pathogenic for Phenylketonuria. Review status: no assertion criteria provided. Collection method: not provided. Allele origin: unknown. Not counted in ClinVar's aggregate classification.
ClinVar note: Converted during submission from probable-pathogenic to Likely pathogenic.

Literature cited by the submitters: PubMed 18985011 (cited by ClinGen PAH Variant Curation Expert Panel).